The following is an entry in ClinVar:

ClinVar aggregate classification (germline): Likely pathogenic (1 of 4 stars; one submission).

Conditions:
Hypohidrotic X-linked ectodermal dysplasia (XHED). Also called: Ectodermal Dysplasia 1, Anhidrotic; Anhidrotic ectodermal dysplasia X-linked; Christ Siemens Touraine syndrome; ECTODERMAL DYSPLASIA 1; Christ-Siemans-Touraine syndrome; ECTODERMAL DYSPLASIA 1, HYPOHIDROTIC, X-LINKED. Identifiers: Orphanet 181, Orphanet 238468, MedGen C0162359, MONDO:0010585, OMIM 305100.

Submission:

Labcorp Genetics (formerly Invitae), Labcorp
Classification: Likely pathogenic for Hypohidrotic X-linked ectodermal dysplasia. Last evaluated: 2023-10-16. Review status: criteria provided, single submitter. Criteria: Invitae Variant Classification Sherloc (09022015). Collection method: clinical testing. Allele origin: germline.
Comment: This sequence change replaces threonine, which is neutral and polar, with arginine, which is basic and polar, at codon 57 of the EDA protein (p.Thr57Arg). This variant is not present in population databases (gnomAD no frequency). This missense change has been observed in individual(s) with ectodermal dysplasia (PMID: 12947561). This variant is also known as C412G. Advanced modeling of protein sequence and biophysical properties (such as structural, functional, and spatial information, amino acid conservation, physicochemical variation, residue mobility, and thermodynamic stability) performed at Invitae indicates that this missense variant is expected to disrupt EDA protein function. This variant disrupts the p.Thr57 amino acid residue in EDA. Other variant(s) that disrupt this residue have been observed in individuals with EDA-related conditions (PMID: 22032522), which suggests that this may be a clinically significant amino acid residue. In summary, the currently available evidence indicates that the variant is pathogenic, but additional data are needed to prove that conclusively. Therefore, this variant has been classified as Likely Pathogenic.

Literature cited by the submitters: PubMed 12947561; PubMed 22032522.

NM_001399.5(EDA):c.170C>G (p.Thr57Arg)

Gene: EDA (ectodysplasin A; plus strand). Cytogenetic location: Xq13.1.
Variant type: single nucleotide variant.
Coding change: c.170C>G on transcript NM_001399.5 (MANE Select); coding-DNA position 170, C replaced by G.
Protein change: p.Thr57Arg; replaces threonine 57 with arginine.
Molecular consequence: missense variant.
Genome position (GRCh38, 1-based): chrX:69,616,478, C>G. VCF-style: chrX-69616478-C-G. GRCh37 (hg19) VCF-style: chrX-68836322-C-G.
Other names: c.170C>G, p.Thr57Arg (NM_001005609.2, NM_001005610.4, NM_001005612.3 and 2 more transcripts); short protein forms T57R.
Identifiers: ClinVar variation 2737242 (VCV002737242.3), dbSNP rs1931942632, ClinGen allele CA413447218.